The following is an entry in ClinVar:

ClinVar aggregate classification (germline): Uncertain significance (1 of 4 stars; one submission).

Allele frequency attached by ClinVar (database versions not stated): gnomAD exomes below 0.00001; TOPMed below 0.00001; ExAC 0.00001.
gnomAD v4.1: 1 of 1,614,132 alleles (0.000062%); highest among the groups gnomAD compares: Non-Finnish European, 0.000085%; no homozygotes.

Submission:

Labcorp Genetics (formerly Invitae), Labcorp
Classification: Uncertain significance. Last evaluated: 2025-01-07. Review status: criteria provided, single submitter. Criteria: Invitae Variant Classification Sherloc (09022015). Collection method: clinical testing. Allele origin: germline.
Comment: This sequence change replaces valine, which is neutral and non-polar, with methionine, which is neutral and non-polar, at codon 431 of the SIAE protein (p.Val431Met). This variant is present in population databases (rs768637533, gnomAD 0.0009%). This variant has not been reported in the literature in individuals affected with SIAE-related conditions. ClinVar contains an entry for this variant (Variation ID: 1933753). An algorithm developed to predict the effect of missense changes on protein structure and function (PolyPhen-2) suggests that this variant is likely to be disruptive. In summary, the available evidence is currently insufficient to determine the role of this variant in disease. Therefore, it has been classified as a Variant of Uncertain Significance.

NM_170601.5(SIAE):c.1291G>A (p.Val431Met)

Gene: SIAE (sialic acid acetylesterase; minus strand). Cytogenetic location: 11q24.2.
Variant type: single nucleotide variant.
Coding change: c.1291G>A on transcript NM_170601.5 (MANE Select); coding-DNA position 1291, G replaced by A.
Protein change: p.Val431Met; replaces valine 431 with methionine.
Molecular consequence: missense variant.
Genome position (GRCh38, 1-based): chr11:124,638,571, C>T on the plus strand (G>A on the coding strand, the complement: SIAE is on the minus strand). VCF-style: chr11-124638571-C-T. GRCh37 (hg19) VCF-style: chr11-124508467-C-T.
Other names: c.1186G>A, p.Val396Met (NM_001199922.2); short protein forms V396M, V431M.
Identifiers: ClinVar variation 1933753 (VCV001933753.5), dbSNP rs768637533, ClinGen allele CA6341239.